The following is an entry in ClinVar:

ClinVar aggregate classification (germline): Uncertain significance. Review status: criteria provided, multiple submitters, no conflicts (2 of 4 stars). 2 submissions from 2 submitters: Uncertain significance (2). Last evaluated 2024-12-21.

Conditions:
Inborn genetic diseases. Identifiers: MedGen C0950123, MeSH D030342.
PGM1-congenital disorder of glycosylation. Also called: GSD XIV; CDG It; PHOSPHOGLUCOMUTASE 1 DEFICIENCY; PGM1 DEFICIENCY; GLYCOGEN STORAGE DISEASE XIV; Congenital disorder of glycosylation type 1t. Identifiers: Orphanet 319646, MedGen C2752015, MONDO:0013968, OMIM 614921.

Allele frequency attached by ClinVar (database versions not stated): gnomAD 0.00001; gnomAD exomes 0.00001 and 0.00002; ExAC 0.00002; TOPMed 0.00003.
gnomAD v4.1: 21 of 1,613,936 alleles (0.0013%); highest among the groups gnomAD compares: Admixed American, 0.02%; no homozygotes.

Submissions (2):

Ambry Genetics
Classification: Uncertain significance for Inborn genetic diseases. Last evaluated: 2024-12-21. Review status: criteria provided, single submitter. Criteria: Ambry Variant Classification Scheme 2023. Collection method: clinical testing. Allele origin: germline.

Labcorp Genetics (formerly Invitae), Labcorp
Classification: Uncertain significance for PGM1-congenital disorder of glycosylation. Last evaluated: 2022-06-25. Review status: criteria provided, single submitter. Criteria: Invitae Variant Classification Sherloc (09022015). Collection method: clinical testing. Allele origin: germline.
Comment: This sequence change replaces alanine, which is neutral and non-polar, with threonine, which is neutral and polar, at codon 368 of the PGM1 protein (p.Ala368Thr). This variant is present in population databases (rs748252747, gnomAD 0.02%). This variant has not been reported in the literature in individuals affected with PGM1-related conditions. Algorithms developed to predict the effect of missense changes on protein structure and function (SIFT, PolyPhen-2, Align-GVGD) all suggest that this variant is likely to be disruptive. In summary, the available evidence is currently insufficient to determine the role of this variant in disease. Therefore, it has been classified as a Variant of Uncertain Significance.

NM_002633.3(PGM1):c.1102G>A (p.Ala368Thr)

Gene: PGM1 (phosphoglucomutase 1; plus strand). Cytogenetic location: 1p31.3.
Variant type: single nucleotide variant.
Coding change: c.1102G>A on transcript NM_002633.3 (MANE Select); coding-DNA position 1102, G replaced by A.
Protein change: p.Ala368Thr; replaces alanine 368 with threonine.
Molecular consequence: missense variant.
Genome position (GRCh38, 1-based): chr1:63,638,758, G>A. VCF-style: chr1-63638758-G-A. GRCh37 (hg19) VCF-style: chr1-64104429-G-A.
Other names: c.1156G>A, p.Ala386Thr (NM_001172818.1); c.511G>A, p.Ala171Thr (NM_001172819.2); c.1102G>A (NM_002633.2); short protein forms A368T, A386T, A171T.
Identifiers: ClinVar variation 1373671 (VCV001373671.4), dbSNP rs748252747, ClinGen allele CA889718.